The following is an entry in ClinVar:

NM_033028.5(BBS4):c.867del (p.Ile290fs)

Gene: BBS4 (Bardet-Biedl syndrome 4; plus strand). Cytogenetic location: 15q24.1.
Variant type: Deletion.
Coding change: c.867del on transcript NM_033028.5 (MANE Select); coding-DNA position 867, one base deleted (C; older notation c.867delC).
Protein change: p.Ile290fs; shifts the reading frame from isoleucine 290.
Molecular consequence: frameshift variant. On other transcripts: non-coding transcript variant (2).
Genome position (GRCh38, 1-based): chr15:72,731,557, C deleted; the last of 2 consecutive C bases (chr15:72,731,556-72,731,557); deleting either gives the same sequence. VCF-style (leftmost placement, unchanged base first): chr15-72731555-GC-G. GRCh37 (hg19) VCF-style: chr15-73023896-GC-G.
Other names: c.351del, p.Ile118fs (NM_001252678.2); c.798del, p.Ile267fs (NM_001320665.2); short protein forms I118fs, I267fs, I290fs.
Identifiers: ClinVar variation 3389904 (VCV003389904.14).

ClinVar aggregate classification (germline): Pathogenic (1 of 4 stars; one submission).

Submission:

CeGaT Center for Human Genetics Tuebingen
Classification: Pathogenic. Last evaluated: 2024-10-01. Review status: criteria provided, single submitter. Criteria: CeGaT Center For Human Genetics Tuebingen Variant Classification Criteria Version 2. Collection method: clinical testing. Allele origin: germline. Affected: yes. Observed: 1 variant allele.
Comment: BBS4: PVS1, PM2